The following is an entry in ClinVar:

ClinVar aggregate classification (germline): Conflicting classifications of pathogenicity. Review status: criteria provided, conflicting classifications (1 of 4 stars). 3 submissions from 3 submitters: Likely pathogenic (1); Uncertain significance (1). 1 of the submissions does not count toward it. Last evaluated 2021-01-18.

Conditions:
Cryopyrin associated periodic syndrome (CAPS). Identifiers: Orphanet 208650, MedGen C2316212, MONDO:0016168.
Familial cold autoinflammatory syndrome 1 (FCAS1). Also called: Familial cold inflammatory syndrome 1; CRYOPYRIN-ASSOCIATED PERIODIC SYNDROME 1. Identifiers: Orphanet 47045, MedGen C4551895, MONDO:0007349, OMIM 120100.

Submissions (3):

Labcorp Genetics (formerly Invitae), Labcorp
Classification: Uncertain significance for Cryopyrin associated periodic syndrome. Last evaluated: 2021-01-18. Review status: criteria provided, single submitter. Criteria: Invitae Variant Classification Sherloc (09022015). Collection method: clinical testing. Allele origin: germline.
Comment: This variant is not present in population databases (ExAC no frequency). In summary, the available evidence is currently insufficient to determine the role of this variant in disease. Therefore, it has been classified as a Variant of Uncertain Significance. Other variants that disrupt the p.Thr438 amino acid residue in NLRP3 have been observed in affected individuals (PMID: 26245507, 14630794, 28501347, 12032915). This suggests that it is a clinically significant residue, and that variants that disrupt this residue may be causative of disease. In an experimental study, this missense change resulted in decreased expression of the NLRP3 protein product (PMID: 27692610). The clinical significance of these results is uncertain. This variant has been observed in individuals affected with cryopyrin-associated periodic syndrome (CAPS) (PMID: 17513575, 27191192 ). This variant is also known as c.1306A>G p.T436A in the literature. ClinVar contains an entry for this variant (Variation ID: 97921). This sequence change replaces threonine with alanine at codon 438 of the NLRP3 protein (p.Thr438Ala). The threonine residue is highly conserved and there is a small physicochemical difference between threonine and alanine.

GeneDx
Classification: Likely pathogenic. Last evaluated: 2016-12-19. Review status: criteria provided, single submitter. Criteria: GeneDx Variant Classification (06012015). Collection method: clinical testing. Allele origin: germline. Affected: yes.
Comment: The T438A variant has been published previously in association with an NLRP3-associated disorder (Zeft et al., 2007). The variant was not observed in approximately 6,500 individuals of European and African American ancestry in the NHLBI Exome Sequencing Project, indicating it is not a common benign variant in these populations. T438A is a non-conservative amino acid substitution, which is likely to impact secondary protein structure as these residues differ in polarity, charge, size and/or other properties. This substitution occurs at a position within the NACHT domain where amino acids with similar properties to Threonine are tolerated across species. The NACHT domain is a known locus for pathogenic variants (Masters et al., 2009), and in silico analysis predicts this variant is probably damaging to the protein structure/function. Additionally, T438A has been reported to impair expression of the NLRP3 protein; however, the authors did not publish their data (Guo et al., 2016). Missense variants in the same residue (T438P/I/N) and in nearby residues (T435I, K437E, A441P/T/V, Y443H) have been reported in the Human Gene Mutation Database in association with NLRP3-associated disorders (Stenson et al., 2014), supporting the functional importance of this region of the protein. Therefore, this variant is likely pathogenic.

Unité médicale des maladies autoinflammatoires, CHRU Montpellier
No classification provided. Condition: Familial cold urticaria. Review status: no classification provided. Collection method: not provided. Allele origin: unknown. Not counted in ClinVar's aggregate classification.
Comment: also involved in OMIM 191900 and 607115

Literature cited by the submitters: PubMed 26245507 (cited by Labcorp Genetics (formerly Invitae), Labcorp); PubMed 14630794 (cited by Labcorp Genetics (formerly Invitae), Labcorp); PubMed 28501347 (cited by Labcorp Genetics (formerly Invitae), Labcorp); PubMed 12032915 (cited by Labcorp Genetics (formerly Invitae), Labcorp); PubMed 27692610 (cited by Labcorp Genetics (formerly Invitae), Labcorp); PubMed 17513575 (cited by Labcorp Genetics (formerly Invitae), Labcorp); PubMed 27191192 (cited by Labcorp Genetics (formerly Invitae), Labcorp).

NM_001243133.2(NLRP3):c.1306A>G (p.Thr436Ala)

Gene: NLRP3 (NLR family pyrin domain containing 3; plus strand). Cytogenetic location: 1q44.
Variant type: single nucleotide variant.
Coding change: c.1306A>G on transcript NM_001243133.2 (MANE Select); coding-DNA position 1306, A replaced by G.
Protein change: p.Thr436Ala; replaces threonine 436 with alanine.
Molecular consequence: missense variant.
Genome position (GRCh38, 1-based): chr1:247,424,755, A>G. VCF-style: chr1-247424755-A-G. GRCh37 (hg19) VCF-style: chr1-247588057-A-G.
Other names: c.1306A>G, p.Thr436Ala (NM_001079821.3, NM_001127461.3, NM_001127462.3 and 1 more transcripts); c.1312A>G, p.Thr438Ala (NM_004895.5); short protein forms T438A, T436A.
Identifiers: ClinVar variation 97921 (VCV000097921.7), dbSNP rs180177465, ClinGen allele CA281165.